The following is an entry in ClinVar:

ClinVar aggregate classification (germline): Uncertain significance (1 of 4 stars; one submission).

Conditions:
Charcot-Marie-Tooth disease type 2. Also called: Charcot-Marie-Tooth type 2. Identifiers: Orphanet 64746, MedGen C0270914, MONDO:0018993.

Submission:

Labcorp Genetics (formerly Invitae), Labcorp
Classification: Uncertain significance for Charcot-Marie-Tooth disease type 2. Last evaluated: 2024-09-16. Review status: criteria provided, single submitter. Criteria: Invitae Variant Classification Sherloc (09022015). Collection method: clinical testing. Allele origin: germline.
Comment: This sequence change replaces asparagine, which is neutral and polar, with lysine, which is basic and polar, at codon 1700 of the KIF1B protein (p.Asn1700Lys). This variant is not present in population databases (gnomAD no frequency). This variant has not been reported in the literature in individuals affected with KIF1B-related conditions. An algorithm developed to predict the effect of missense changes on protein structure and function (PolyPhen-2) suggests that this variant is likely to be disruptive. In summary, the available evidence is currently insufficient to determine the role of this variant in disease. Therefore, it has been classified as a Variant of Uncertain Significance.

NM_001365951.3(KIF1B):c.5238C>A (p.Asn1746Lys)

Gene: KIF1B (kinesin family member 1B; plus strand). Cytogenetic location: 1p36.22.
Variant type: single nucleotide variant.
Coding change: c.5238C>A on transcript NM_001365951.3 (MANE Select); coding-DNA position 5238, C replaced by A.
Protein change: p.Asn1746Lys; replaces asparagine 1746 with lysine.
Molecular consequence: missense variant.
Genome position (GRCh38, 1-based): chr1:10,374,995, C>A. VCF-style: chr1-10374995-C-A. GRCh37 (hg19) VCF-style: chr1-10435053-C-A.
Other names: c.5238C>A, p.Asn1746Lys (NM_001365952.1); c.5100C>A, p.Asn1700Lys (NM_015074.3); short protein forms N1700K, N1746K.
Identifiers: ClinVar variation 3717465 (VCV003717465.2).
Genomic context (GRCh38, chr1:10,374,995, plus strand): 5'-TCGGCCTTATGTCTTCATCTATAACAGTGACAAAGACCCTGTGGAGCGTGGAATCATTAA[C>A]CTGTCCACAGCACAGGTGGAGTACAGTGAGGACCAGCAGGCCATGGTGAAGGTCCGTCCT-3'
Protein context (NP_001352880.1, residues 1736-1756): DKDPVERGII[Asn1746Lys]LSTAQVEYSE